The following is an entry in ClinVar:

NM_001298.3(CNGA3):c.1331T>C (p.Leu444Pro)

Gene: CNGA3 (cyclic nucleotide gated channel subunit alpha 3; plus strand). Cytogenetic location: 2q11.2.
Variant type: single nucleotide variant.
Coding change: c.1331T>C on transcript NM_001298.3 (MANE Select); coding-DNA position 1331, T replaced by C.
Protein change: p.Leu444Pro; replaces leucine 444 with proline.
Molecular consequence: missense variant.
Genome position (GRCh38, 1-based): chr2:98,396,501, T>C. VCF-style: chr2-98396501-T-C. GRCh37 (hg19) VCF-style: chr2-99012964-T-C.
Other names: c.1277T>C, p.Leu426Pro (NM_001079878.2); short protein forms L426P, L444P.
Identifiers: ClinVar variation 1486342 (VCV001486342.8), dbSNP rs2104247886, ClinGen allele CA347833328.

ClinVar aggregate classification (germline): Uncertain significance (1 of 4 stars; one submission).

Allele frequency attached by ClinVar (database versions not stated): gnomAD exomes below 0.00001.
gnomAD v4.1: 1 of 1,613,842 alleles (0.000062%); highest among the groups gnomAD compares: South Asian, 0.0011%; no homozygotes.

Submission:

Labcorp Genetics (formerly Invitae), Labcorp
Classification: Uncertain significance. Last evaluated: 2022-02-03. Review status: criteria provided, single submitter. Criteria: Invitae Variant Classification Sherloc (09022015). Collection method: clinical testing. Allele origin: germline.
Comment: In summary, the available evidence is currently insufficient to determine the role of this variant in disease. Therefore, it has been classified as a Variant of Uncertain Significance. Advanced modeling of protein sequence and biophysical properties (such as structural, functional, and spatial information, amino acid conservation, physicochemical variation, residue mobility, and thermodynamic stability) performed at Invitae indicates that this missense variant is expected to disrupt CNGA3 protein function. This variant has not been reported in the literature in individuals affected with CNGA3-related conditions. This variant is not present in population databases (gnomAD no frequency). This sequence change replaces leucine, which is neutral and non-polar, with proline, which is neutral and non-polar, at codon 444 of the CNGA3 protein (p.Leu444Pro).